The following is an entry in ClinVar:

ClinVar aggregate classification (germline): Uncertain significance (1 of 4 stars; one submission).

Allele frequency attached by ClinVar (database versions not stated): ExAC 0.00002; gnomAD 0.00003; 1000 Genomes Project 30x 0.00016; 1000 Genomes Project 0.00020.
gnomAD v4.1: 49 of 1,613,096 alleles (0.003%); highest among the groups gnomAD compares: Admixed American, 0.023%; no homozygotes.

Submission:

Labcorp Genetics (formerly Invitae), Labcorp
Classification: Uncertain significance. Last evaluated: 2025-07-14. Review status: criteria provided, single submitter. Criteria: Invitae Variant Classification Sherloc (09022015). Collection method: clinical testing. Allele origin: germline.
Comment: This sequence change replaces arginine, which is basic and polar, with glutamine, which is neutral and polar, at codon 321 of the NDUFA9 protein (p.Arg321Gln). This variant is present in population databases (rs199592341, gnomAD 0.03%). This variant has not been reported in the literature in individuals affected with NDUFA9-related conditions. ClinVar contains an entry for this variant (Variation ID: 1927539). An algorithm developed to predict the effect of missense changes on protein structure and function outputs the following: PolyPhen-2: "Benign". The glutamine amino acid residue is found in multiple mammalian species, which suggests that this missense change does not adversely affect protein function. In summary, the available evidence is currently insufficient to determine the role of this variant in disease. Therefore, it has been classified as a Variant of Uncertain Significance.

NM_005002.5(NDUFA9):c.962G>A (p.Arg321Gln)

Gene: NDUFA9 (NADH:ubiquinone oxidoreductase subunit A9; plus strand). Cytogenetic location: 12p13.32.
Variant type: single nucleotide variant.
Coding change: c.962G>A on transcript NM_005002.5 (MANE Select); coding-DNA position 962, G replaced by A.
Protein change: p.Arg321Gln; replaces arginine 321 with glutamine.
Molecular consequence: missense variant.
Genome position (GRCh38, 1-based): chr12:4,685,324, G>A. VCF-style: chr12-4685324-G-A. GRCh37 (hg19) VCF-style: chr12-4794490-G-A.
Other names: short protein forms R321Q.
Identifiers: ClinVar variation 1927539 (VCV001927539.5), dbSNP rs199592341, ClinGen allele CA6398328.